The following is an entry in ClinVar:

NM_018130.3(SHQ1):c.882+2_882+12del

Gene: SHQ1 (SHQ1, H/ACA ribonucleoprotein assembly factor; minus strand). Cytogenetic location: 3p13.
Variant type: Deletion.
Coding change: c.882+2_882+12del on transcript NM_018130.3 (MANE Select); the canonical splice donor site of the intron after coding-DNA position 882 through 12 bases into the intron after coding-DNA position 882, 11 bases deleted (TAAGTGCATGT).
Molecular consequence: splice donor variant.
Genome position (GRCh38, 1-based): chr3:72,817,218-72,817,228, ACATGCACTTA deleted on the plus strand (TAAGTGCATGT on the coding strand, the reverse complement: SHQ1 is on the minus strand). VCF-style (leftmost placement, unchanged base first): chr3-72817217-TACATGCACTTA-T. GRCh37 (hg19) VCF-style: chr3-72866368-TACATGCACTTA-T.
Identifiers: ClinVar variation 3031702 (VCV003031702.2), dbSNP rs2471656977, ClinGen allele CA2740094505.

ClinVar aggregate classification (germline): Uncertain significance (0 of 4 stars; one submission).

Conditions:
SHQ1-related disorder. Also called: SHQ1-related condition; SHQ1-Related Disorders.

Submission:

PreventionGenetics, part of Exact Sciences
Classification: Uncertain significance for SHQ1-related condition. Last evaluated: 2024-01-04. Review status: no assertion criteria provided. Collection method: clinical testing. Allele origin: germline.
Comment: The SHQ1 c.882+2_882+12del11 variant is predicted to result in a deletion affecting a canonical splice site. Based on available splicing prediction programs (Alamut Visual Plus v1.6.1) this variant is predicted to abolish the consensus splice donor site; however, to date this prediction has not been proven by functional studies. To our knowledge, this variant has not been reported in the literature or in a large population database, indicating this variant is rare. No other SHQ1 splicing variants have been reported in the literature to date, and loss-of-function is not an well-established mechanism of disease for SHQ1-related disorder(s) (Human Gene Mutation Database). At this time, the clinical significance of this variant is uncertain due to the absence of conclusive functional and genetic evidence.